The following is an entry in ClinVar:

NM_003321.5(TUFM):c.6C>T (p.Thr2=)

Genes: TUFM (Tu translation elongation factor, mitochondrial; minus strand), LOC130058735 (ATAC-STARR-seq lymphoblastoid active region 10645; plus strand). Cytogenetic location: 16p11.2.
Variant type: single nucleotide variant.
Coding change: c.6C>T on transcript NM_003321.5 (MANE Select); coding-DNA position 6, C replaced by T.
Protein change: p.Thr2=; no amino-acid change (threonine 2 retained).
Molecular consequence: synonymous variant.
Genome position (GRCh38, 1-based): chr16:28,846,264, G>A on the plus strand (C>T on the coding strand, the complement: TUFM is on the minus strand). VCF-style: chr16-28846264-G-A. GRCh37 (hg19) VCF-style: chr16-28857585-G-A.
Other names: c.6C>T, p.Thr2= (NM_001365360.2).
Identifiers: ClinVar variation 425103 (VCV000425103.56), dbSNP rs751421456, ClinGen allele CA7985789.

ClinVar aggregate classification (germline): Conflicting classifications of pathogenicity. Review status: criteria provided, conflicting classifications (1 of 4 stars). 5 submissions from 5 submitters: Uncertain significance (1); Likely benign (3). 1 of the submissions does not count toward it. Last evaluated 2025-11-24.

Conditions:
TUFM-related disorder. Also called: TUFM-related condition.
Combined oxidative phosphorylation defect type 4. Identifiers: Orphanet 254925, MedGen C1857682, MONDO:0012534, OMIM 610678.

Allele frequency attached by ClinVar (database versions not stated): TOPMed 0.00012; gnomAD 0.00015; 1000 Genomes Project 30x 0.00016; ExAC 0.00018; gnomAD exomes 0.00018 and 0.00020.
gnomAD v4.1: 296 of 1,560,230 alleles (0.019%); highest among the groups gnomAD compares: Middle Eastern, 0.12%; 1 homozygote.

Submissions (5):

Labcorp Genetics (formerly Invitae), Labcorp
Classification: Likely benign. Last evaluated: 2025-11-24. Review status: criteria provided, single submitter. Criteria: Invitae Variant Classification Sherloc (09022015). Collection method: clinical testing. Allele origin: germline.

CeGaT Center for Human Genetics Tuebingen
Classification: Likely benign. Last evaluated: 2022-03-01. Review status: criteria provided, single submitter. Criteria: CeGaT Center For Human Genetics Tuebingen Variant Classification Criteria Version 2. Collection method: clinical testing. Allele origin: germline. Affected: yes. Observed: 2 variant alleles.
Comment: TUFM: BP4, BP7

GeneDx
Classification: Likely benign. Last evaluated: 2020-01-30. Review status: criteria provided, single submitter. Criteria: GeneDx Variant Classification Process June 2021. Collection method: clinical testing. Allele origin: germline. Affected: yes.

Illumina Laboratory Services, Illumina
Classification: Uncertain significance for Combined oxidative phosphorylation defect type 4. Last evaluated: 2018-01-13. Review status: criteria provided, single submitter. Criteria: ICSL Variant Classification Criteria 13 December 2019. Collection method: clinical testing. Allele origin: germline.

PreventionGenetics, part of Exact Sciences
Classification: Likely benign for TUFM-related condition. Last evaluated: 2020-03-23. Review status: no assertion criteria provided. Collection method: clinical testing. Allele origin: germline. Not counted in ClinVar's aggregate classification.
Comment: This variant is classified as likely benign based on ACMG/AMP sequence variant interpretation guidelines (Richards et al. 2015 PMID: 25741868, with internal and published modifications).